The following is an entry in ClinVar:

ClinVar aggregate classification (germline): Benign. Review status: criteria provided, multiple submitters, no conflicts (2 of 4 stars). 2 submissions from 2 submitters: Benign (2). Last evaluated 2026-01-12.

Allele frequency attached by ClinVar (database versions not stated): ExAC 0.00079; TOPMed 0.00206; ESP Exome Variant Server 0.00231; 1000 Genomes Project 30x 0.00234; 1000 Genomes Project 0.00260.
gnomAD v4.1: 631 of 1,614,074 alleles (0.039%); highest among the groups gnomAD compares: African/African-American, 0.7%; 3 homozygotes.

Submissions (2):

Labcorp Genetics (formerly Invitae), Labcorp
Classification: Benign. Last evaluated: 2026-01-12. Review status: criteria provided, single submitter. Criteria: Invitae Variant Classification Sherloc (09022015). Collection method: clinical testing. Allele origin: germline.

Athena Diagnostics
Classification: Benign. Last evaluated: 2025-05-09. Review status: criteria provided, single submitter. Criteria: Athena Diagnostics Criteria. Collection method: clinical testing. Allele origin: unknown.
Comment: The frequency of this variant in the general population is higher than would generally be expected for pathogenic variants in this gene. This variant has been seen where an alternate explanation for disease was also identified.

NM_198994.3(TGM6):c.1108G>A (p.Gly370Ser)

Gene: TGM6 (transglutaminase 6; plus strand). Cytogenetic location: 20p13.
Variant type: single nucleotide variant.
Coding change: c.1108G>A on transcript NM_198994.3 (MANE Select); coding-DNA position 1108, G replaced by A.
Protein change: p.Gly370Ser; replaces glycine 370 with serine.
Molecular consequence: missense variant.
Genome position (GRCh38, 1-based): chr20:2,403,595, G>A. VCF-style: chr20-2403595-G-A. GRCh37 (hg19) VCF-style: chr20-2384241-G-A.
Other names: c.1108G>A, p.Gly370Ser (NM_001254734.2); short protein forms G370S.
Identifiers: ClinVar variation 727483 (VCV000727483.11), dbSNP rs148889050, ClinGen allele CA9731980.